The following is an entry in ClinVar:

NM_001267550.2(TTN):c.101458_101459del (p.Met33820fs)

Genes: TTN (titin; minus strand), TTN-AS1 (TTN antisense RNA 1; plus strand). Cytogenetic location: 2q31.2.
Variant type: Microsatellite.
Coding change: c.101458_101459del on transcript NM_001267550.2 (MANE Select); coding-DNA positions 101458 to 101459, 2 bases deleted (AT; older notation c.101458_101459delAT).
Protein change: p.Met33820fs; shifts the reading frame from methionine 33820.
Molecular consequence: frameshift variant.
Genome position (GRCh38, 1-based): chr2:178,535,156-178,535,157, AT deleted on the plus strand (AT on the coding strand, the reverse complement: TTN is on the minus strand); deleting any 2 consecutive bases within chr2:178,535,156-178,535,161 gives the same sequence; the c. name uses the placement nearest the transcript's 3' end. VCF-style (leftmost placement, unchanged base first): chr2-178535155-CAT-C. GRCh37 (hg19) VCF-style: chr2-179399882-CAT-C.
Other names: c.96535_96536del, p.Met32179fs (NM_001256850.1); c.74263_74264del, p.Met24755fs (NM_003319.4); c.93754_93755del, p.Met31252fs (NM_133378.4); c.74638_74639del, p.Met24880fs (NM_133432.3); c.74839_74840del, p.Met24947fs (NM_133437.4); short protein forms M24755fs, M33820fs, M24947fs, M32179fs, M24880fs, M31252fs.
Identifiers: ClinVar variation 2128683 (VCV002128683.4), dbSNP rs2468565242, ClinGen allele CA2580614438.
Genomic context (GRCh38, chr2:178,535,155, plus strand): 5'-GGATGTTTCAACACAACGATGGACAATTCCAAACTCACCACGCCCAAGATCTTCAGCAAT[CAT>C]ATATTTCTCATAGAGTTCCTTGGTTGAAGAGTGAGATGCTTTAGTCATGGAGACTTCCCT-3'

ClinVar aggregate classification (germline): Likely pathogenic (1 of 4 stars; one submission).

Conditions:
Dilated cardiomyopathy 1G (CMD1G). Identifiers: Orphanet 154, MedGen C1858763, MONDO:0011400, OMIM 604145.
Autosomal recessive limb-girdle muscular dystrophy type 2J (LGMDR10). Also called: Limb-girdle muscular dystrophy, type 2J; MUSCULAR DYSTROPHY, LIMB-GIRDLE, AUTOSOMAL RECESSIVE 10. Identifiers: Orphanet 140922, MedGen C1837342, MONDO:0012127, OMIM 608807.

Submission:

Labcorp Genetics (formerly Invitae), Labcorp
Classification: Likely pathogenic for Dilated cardiomyopathy 1G; Autosomal recessive limb-girdle muscular dystrophy type 2J. Last evaluated: 2023-12-06. Review status: criteria provided, single submitter. Criteria: Invitae Variant Classification Sherloc (09022015). Collection method: clinical testing. Allele origin: germline.
Comment: This sequence change creates a premature translational stop signal (p.Met33820Aspfs*3) in the TTN gene. While this is not anticipated to result in nonsense mediated decay, it is expected to create a truncated TTN protein. This variant is not present in population databases (gnomAD no frequency). This variant has not been reported in the literature in individuals affected with TTN-related conditions. ClinVar contains an entry for this variant (Variation ID: 2128683). This variant is located in the M band of TTN (PMID: 25589632). Truncating variants in this region have been previously reported in individuals affected with autosomal recessive myopathy and muscular dystrophy (PMID: 18948003, 23975875, 24395473). Truncating variants in this region have also been identified in individuals affected with autosomal dominant dilated cardiomyopathy and/or cardio-related conditions (PMID: 27869827, 32964742). In summary, the currently available evidence indicates that the variant is pathogenic, but additional data are needed to prove that conclusively. Therefore, this variant has been classified as Likely Pathogenic.

Literature cited by the submitters: PubMed 25589632; PubMed 18948003; PubMed 23975875; PubMed 24395473; PubMed 27869827; PubMed 32964742.